The following is an entry in ClinVar:

ClinVar aggregate classification (germline): Uncertain significance (1 of 4 stars; one submission).

Conditions:
EP300-related disorder. Also called: EP300-related condition; EP300-related disorders.

Submission:

PreventionGenetics, part of Exact Sciences
Classification: Uncertain significance for EP300-related condition. Last evaluated: 2023-07-20. Review status: criteria provided, single submitter. Criteria: ACMG Guidelines, 2015. Collection method: clinical testing. Allele origin: germline.
Comment: The EP300 c.2350C>G variant is predicted to result in the amino acid substitution p.Pro784Ala. To our knowledge, this variant has not been reported in the literature or in a large population database, indicating this variant is rare. At this time, the clinical significance of this variant is uncertain due to the absence of conclusive functional and genetic evidence.

NM_001429.4(EP300):c.2350C>G (p.Pro784Ala)

Gene: EP300 (E1A binding protein p300; plus strand). Cytogenetic location: 22q13.2.
Variant type: single nucleotide variant.
Coding change: c.2350C>G on transcript NM_001429.4 (MANE Select); coding-DNA position 2350, C replaced by G.
Protein change: p.Pro784Ala; replaces proline 784 with alanine.
Molecular consequence: missense variant.
Genome position (GRCh38, 1-based): chr22:41,149,146, C>G. VCF-style: chr22-41149146-C-G. GRCh37 (hg19) VCF-style: chr22-41545150-C-G.
Other names: c.2272C>G, p.Pro758Ala (NM_001362843.2); short protein forms P758A, P784A.
Identifiers: ClinVar variation 2631690 (VCV002631690.1), dbSNP rs1352652949, ClinGen allele CA411690906.
Genomic context (GRCh38, chr22:41,149,146, plus strand): 5'-TTCCTTCCTCAGACTCAGTTCCCATCACAGGGAATGAATGTAACAAATATCCCTTTGGCT[C>G]CGTCCAGCGGTCAAGCTCCAGTGTCTCAAGTATGTCTCATAAGTGGATTTTTCACTTATT-3'
Protein context (NP_001420.2, residues 774-794): GMNVTNIPLA[Pro784Ala]SSGQAPVSQA